The following is an entry in ClinVar:

ClinVar aggregate classification (germline): Uncertain significance. Review status: criteria provided, multiple submitters, no conflicts (2 of 4 stars). 2 submissions from 2 submitters: Uncertain significance (2). Last evaluated 2024-01-19.

Allele frequency attached by ClinVar (database versions not stated): ExAC 0.00001; gnomAD exomes 0.00001 and 0.00003; TOPMed 0.00002; gnomAD 0.00003 and 0.00004.

Submissions (2):

Labcorp Genetics (formerly Invitae), Labcorp
Classification: Uncertain significance. Last evaluated: 2024-01-19. Review status: criteria provided, single submitter. Criteria: Invitae Variant Classification Sherloc (09022015). Collection method: clinical testing. Allele origin: germline.
Comment: This sequence change affects an acceptor splice site in intron 3 of the CACNA2D4 gene. It is expected to disrupt RNA splicing. Variants that disrupt the donor or acceptor splice site typically lead to a loss of protein function (PMID: 16199547), however the current clinical and genetic evidence is not sufficient to establish whether loss-of-function variants in CACNA2D4 cause disease. This variant is present in population databases (rs770576741, gnomAD 0.003%). This variant has not been reported in the literature in individuals affected with CACNA2D4-related conditions. ClinVar contains an entry for this variant (Variation ID: 1015753). Algorithms developed to predict the effect of sequence changes on RNA splicing suggest that this variant may disrupt the consensus splice site. In summary, the available evidence is currently insufficient to determine the role of this variant in disease. Therefore, it has been classified as a Variant of Uncertain Significance.

Blueprint Genetics
Classification: Uncertain significance. Last evaluated: 2023-07-05. Review status: criteria provided, single submitter. Criteria: ACMG Guidelines, 2015. Collection method: clinical testing. Allele origin: germline.

Literature cited by the submitters: PubMed 16199547 (cited by Labcorp Genetics (formerly Invitae), Labcorp).

NM_172364.5(CACNA2D4):c.427-1G>A

Gene: CACNA2D4 (calcium voltage-gated channel auxiliary subunit alpha2delta 4; minus strand). Cytogenetic location: 12p13.33.
Variant type: single nucleotide variant.
Coding change: c.427-1G>A on transcript NM_172364.5 (MANE Select); the canonical splice acceptor site of the intron before coding-DNA position 427, G replaced by A.
Molecular consequence: splice acceptor variant.
Genome position (GRCh38, 1-based): chr12:1,909,966, C>T on the plus strand (G>A on the coding strand, the complement: CACNA2D4 is on the minus strand). VCF-style: chr12-1909966-C-T. GRCh37 (hg19) VCF-style: chr12-2019132-C-T.
Identifiers: ClinVar variation 1015753 (VCV001015753.6), dbSNP rs770576741, ClinGen allele CA6387526.